The following is an entry in ClinVar:

NM_000551.4(VHL):c.*724T>G

Genes: VHL (von Hippel-Lindau tumor suppressor; plus strand), LOC107303340 (3p25 von Hippel-Lindau tumor suppressor, E3 ubiquitin protein ligase Alu-mediated recombination region; plus strand). Cytogenetic location: 3p25.3.
Variant type: single nucleotide variant.
Coding change: c.*724T>G on transcript NM_000551.4 (MANE Select); 724 bases downstream of the stop codon, T replaced by G.
Molecular consequence: 3 prime UTR variant.
Genome position (GRCh38, 1-based): chr3:10,150,689, T>G. VCF-style: chr3-10150689-T-G. GRCh37 (hg19) VCF-style: chr3-10192373-T-G.
Other names: c.*920T>G (NM_001354723.2); c.*724T>G (NM_198156.3).
Identifiers: ClinVar variation 342418 (VCV000342418.5), dbSNP rs13090104, ClinGen allele CA10614401.
Genomic context (GRCh38, chr3:10,150,689, plus strand): 5'-TAATTTTCTAAGTCGTGCACTTTCTCGGTCCACTCTTGTTGAAGTGCTGTTTTATTACTG[T>G]TTCTAAACTAGGATTGACATTCTACAGTTGTGATAATAGCATTTTTGTAACTTGCCATCC-3'

ClinVar aggregate classification (germline): Benign (1 of 4 stars; one submission).

Conditions:
Von Hippel-Lindau syndrome (VHLS). Also called: Von Hippel-Lindau; von Hippel–Lindau syndrome; VHL syndrome. Identifiers: Orphanet 892, MedGen C0019562, MONDO:0008667, OMIM 193300. Disease mechanism: loss of function.

Allele frequency attached by ClinVar (database versions not stated): gnomAD exomes 0.00287; gnomAD 0.01528 and 0.01627; TOPMed 0.01729; 1000 Genomes Project 0.01957; 1000 Genomes Project 30x 0.02077.
gnomAD v4.1: 2,553 of 234,114 alleles (1.1%); highest among the groups gnomAD compares: African/African-American, 5.2%; 61 homozygotes.

Submission:

Illumina Laboratory Services, Illumina
Classification: Benign for Von Hippel-Lindau syndrome. Last evaluated: 2018-01-12. Review status: criteria provided, single submitter. Criteria: ICSL Variant Classification Criteria 13 December 2019. Collection method: clinical testing. Allele origin: germline.
Comment: This variant was observed in the ICSL laboratory as part of a predisposition screen in an ostensibly healthy population. It had not been previously curated by ICSL or reported in the Human Gene Mutation Database (HGMD: prior to June 1st, 2018), and was therefore a candidate for classification through an automated scoring system. Utilizing variant allele frequency, disease prevalence and penetrance estimates, and inheritance mode, an automated score was calculated to assess if this variant is too frequent to cause the disease. Based on the score and internal cut-off values, a variant classified as benign is not then subjected to further curation. The score for this variant resulted in a classification of benign for this disease.